The following is an entry in ClinVar:

NM_001848.3(COL6A1):c.993C>T (p.Asp331=)

Gene: COL6A1 (collagen type VI alpha 1 chain; plus strand). Cytogenetic location: 21q22.3.
Variant type: single nucleotide variant.
Coding change: c.993C>T on transcript NM_001848.3 (MANE Select); coding-DNA position 993, C replaced by T.
Protein change: p.Asp331=; no amino-acid change (aspartic acid 331 retained).
Molecular consequence: synonymous variant.
Genome position (GRCh38, 1-based): chr21:45,990,413, C>T. VCF-style: chr21-45990413-C-T. GRCh37 (hg19) VCF-style: chr21-47410327-C-T.
Identifiers: ClinVar variation 258312 (VCV000258312.25), dbSNP rs373948031, ClinGen allele CA10069952.

ClinVar aggregate classification (germline): Conflicting classifications of pathogenicity. Review status: criteria provided, conflicting classifications (1 of 4 stars). 4 submissions from 4 submitters: Uncertain significance (1); Likely benign (3). Last evaluated 2025-12-03.

Conditions:
Bethlem myopathy 1A. Also called: Bethlem myopathy 1; MYOPATHY, BENIGN CONGENITAL, WITH CONTRACTURES; Bethlem Muscular Dystrophy. Identifiers: Orphanet 610, MedGen CN029274, MONDO:0024530, OMIM 158810.

Allele frequency attached by ClinVar (database versions not stated): gnomAD exomes 0.00005 and 0.00008; ESP Exome Variant Server 0.00008; ExAC 0.00011; TOPMed 0.00017; 1000 Genomes Project 0.00020; gnomAD 0.00057 and 0.00060.
gnomAD v4.1: 63 of 1,074,032 alleles (0.0059%); highest among the groups gnomAD compares: African/African-American, 0.048%; no homozygotes.

Submissions (4):

Labcorp Genetics (formerly Invitae), Labcorp
Classification: Likely benign for Bethlem myopathy 1A. Last evaluated: 2025-12-03. Review status: criteria provided, single submitter. Criteria: Invitae Variant Classification Sherloc (09022015). Collection method: clinical testing. Allele origin: germline.

CeGaT Center for Human Genetics Tuebingen
Classification: Likely benign. Last evaluated: 2025-12-01. Review status: criteria provided, single submitter. Criteria: CeGaT Center For Human Genetics Tuebingen Variant Classification Criteria Version 2. Collection method: clinical testing. Allele origin: germline. Affected: yes. Observed: 1 variant allele.
Comment: COL6A1: BP4, BP7

Eurofins Ntd Llc (ga)
Classification: Uncertain significance. Last evaluated: 2015-08-17. Review status: criteria provided, single submitter. Criteria: EGL Classification Definitions 2015. Collection method: clinical testing. Allele origin: germline. Observed: 1 variant allele, 1 heterozygote.

PreventionGenetics, part of Exact Sciences
Classification: Likely benign. Review status: criteria provided, single submitter. Criteria: ACMG Guidelines, 2015. Collection method: clinical testing. Allele origin: germline.